The following is an entry in ClinVar:

ClinVar aggregate classification (germline): Uncertain significance (1 of 4 stars; one submission).

gnomAD v4.1: 25 of 1,594,312 alleles (0.0016%); highest among the groups gnomAD compares: Non-Finnish European, 0.0017%; 3 homozygotes.

Submission:

Ambry Genetics
Classification: Uncertain significance. Last evaluated: 2026-09-02. Review status: criteria provided, single submitter. Criteria: Ambry Variant Classification Scheme 2023. Collection method: clinical testing. Allele origin: germline.
Comment: The c.1478C>T (p.S493L) alteration is located in exon 1 (coding exon 1) of the PCDHA8 gene. This alteration results from a C to T substitution at nucleotide position 1478, causing the serine (S) at amino acid position 493 to be replaced by a leucine (L). Based on data from gnomAD, the T allele has an overall frequency of 0.005% (13/248488) total alleles studied. The highest observed frequency was 0.01% (11/111964) of European (non-Finnish) alleles. Based on insufficient or conflicting evidence, the clinical significance of this alteration remains unclear.

NM_018911.3(PCDHA8):c.1478C>T (p.Ser493Leu)

Genes: PCDHA1 (protocadherin alpha 1; plus strand), PCDHA2 (protocadherin alpha 2; plus strand), PCDHA5 (protocadherin alpha 5; plus strand), PCDHA6 (protocadherin alpha 6; plus strand), PCDHA8 (protocadherin alpha 8; plus strand) and 4 more. Cytogenetic location: 5q31.3.
Variant type: single nucleotide variant.
Coding change: c.1478C>T on transcript NM_018911.3 (MANE Select); coding-DNA position 1478, C replaced by T.
Protein change: p.Ser493Leu; replaces serine 493 with leucine.
Molecular consequence: missense variant. On other transcripts: intron variant (9).
Genome position (GRCh38, 1-based): chr5:140,842,799, C>T. VCF-style: chr5-140842799-C-T. GRCh37 (hg19) VCF-style: chr5-140222384-C-T.
Other names: c.1478C>T, p.Ser493Leu (NM_031856.2); c.2394+54115C>T (NM_018900.4); c.1602+54907C>T (NM_031411.3); c.2388+45447C>T (NM_018905.3); c.2394+39208C>T (NM_018906.3); c.2385+33227C>T (NM_018907.4); c.2352+18672C>T (NM_018908.3); c.2394+12314C>T (NM_018909.4); and 2 more; short protein forms S493L.
Identifiers: ClinVar variation 5026340 (VCV005026340.1).
Genomic context (GRCh38, chr5:140,842,799, plus strand): 5'-ACATCTTCACGGTGTCTGCGCGAGACGCGGACGCGCAGGAGAACGCGCTGGTGTCCTACT[C>T]GCTTGTGGAGCGGCGGGTGGGCGAGCGCTCGCTGTCGAGCTACATTTCGGTGCACACGGA-3'
Protein context (NP_061734.1, residues 483-503): DAQENALVSY[Ser493Leu]LVERRVGERS